The following is an entry in ClinVar:

NM_018417.6(ADCY10):c.1196C>T (p.Thr399Ile)

Genes: ADCY10 (adenylate cyclase 10; minus strand), DCAF6 (DDB1 and CUL4 associated factor 6; plus strand). Cytogenetic location: 1q24.2.
Variant type: single nucleotide variant.
Coding change: c.1196C>T on transcript NM_018417.6 (MANE Select); coding-DNA position 1196, C replaced by T.
Protein change: p.Thr399Ile; replaces threonine 399 with isoleucine.
Molecular consequence: missense variant.
Genome position (GRCh38, 1-based): chr1:167,880,135, G>A on the plus strand (C>T on the coding strand, the complement: ADCY10 is on the minus strand). VCF-style: chr1-167880135-G-A. GRCh37 (hg19) VCF-style: chr1-167849373-G-A.
Other names: c.737C>T, p.Thr246Ile (NM_001167749.3); c.920C>T, p.Thr307Ile (NM_001297772.2); short protein forms T399I, T246I, T307I.
Identifiers: ClinVar variation 2776642 (VCV002776642.3), dbSNP rs1358794120, ClinGen allele CA343098640.

ClinVar aggregate classification (germline): Uncertain significance (1 of 4 stars; one submission).

Submission:

Labcorp Genetics (formerly Invitae), Labcorp
Classification: Uncertain significance. Last evaluated: 2022-11-29. Review status: criteria provided, single submitter. Criteria: Invitae Variant Classification Sherloc (09022015). Collection method: clinical testing. Allele origin: germline.
Comment: In summary, the available evidence is currently insufficient to determine the role of this variant in disease. Therefore, it has been classified as a Variant of Uncertain Significance. Algorithms developed to predict the effect of missense changes on protein structure and function are either unavailable or do not agree on the potential impact of this missense change (SIFT: "Deleterious"; PolyPhen-2: "Benign"; Align-GVGD: "Class C0"). This variant has not been reported in the literature in individuals affected with ADCY10-related conditions. This variant is present in population databases (no rsID available, gnomAD 0.003%). This sequence change replaces threonine, which is neutral and polar, with isoleucine, which is neutral and non-polar, at codon 399 of the ADCY10 protein (p.Thr399Ile).